The following is an entry in ClinVar:

ClinVar aggregate classification (germline): Pathogenic. Review status: reviewed by expert panel (3 of 4 stars). 5 submissions from 5 submitters: Pathogenic (1). 4 of the submissions do not count toward it. Last evaluated 2017-12-08.

Conditions:
CFTR-related disorder (CFTR-RD). Also called: CFTR-related disorders; CFTR-related condition. Identifiers: MedGen C5924204, MONDO:7770004.
Bronchiectasis with or without elevated sweat chloride 1 (BESC1). Also called: Cystic Fibrosis-Like Syndrome. Identifiers: Orphanet 60033, MedGen C2749757, MONDO:0008887, OMIM 211400.
Hereditary pancreatitis (PCTT). Also called: PRSS1-Related Hereditary Pancreatitis; Hereditary chronic pancreatitis. Identifiers: Orphanet 676, MedGen C0238339, MONDO:0008185, OMIM 167800.
Cystic fibrosis (CF). Also called: MUCOVISCIDOSIS. Identifiers: Orphanet 586, MedGen C0010674, MONDO:0009061, OMIM 219700. Disease mechanism: loss of function.
Congenital bilateral aplasia of vas deferens from CFTR mutation (CBAVD). Identifiers: Orphanet 48, MedGen C0403814, MONDO:0010178, OMIM 277180. Disease mechanism: loss of function.

Allele frequency attached by ClinVar (database versions not stated): gnomAD exomes below 0.00001; ExAC 0.00001.
gnomAD v4.1: 1 of 1,614,152 alleles (0.000062%); highest among the groups gnomAD compares: South Asian, 0.0011%; no homozygotes.

Submissions (5):

CFTR2
Classification: Pathogenic for Cystic fibrosis. Last evaluated: 2017-12-08. Review status: reviewed by expert panel. Criteria: Sosnay PR et al. (Nat Genet 2013). Collection method: research. Allele origin: germline. Affected: yes.

Fulgent Genetics
Classification: Likely pathogenic for Hereditary pancreatitis; Bronchiectasis with or without elevated sweat chloride 1; Cystic fibrosis; Congenital bilateral aplasia of vas deferens from CFTR mutation. Last evaluated: 2024-03-19. Review status: criteria provided, single submitter. Criteria: ACMG Guidelines, 2015. Collection method: clinical testing. Allele origin: germline. Not counted in ClinVar's aggregate classification.

Ambry Genetics
Classification: Pathogenic for Cystic fibrosis. Last evaluated: 2023-06-22. Review status: criteria provided, single submitter. Criteria: Ambry Variant Classification Scheme 2023. Collection method: clinical testing. Allele origin: germline. Not counted in ClinVar's aggregate classification.
Comment: The p.Q720* pathogenic mutation (also known as c.2158C>T), located in coding exon 14 of the CFTR gene, results from a C to T substitution at nucleotide position 2158. This changes the amino acid from a glutamine to a stop codon within coding exon 14. This variant is considered to be rare based on population cohorts in the Genome Aggregation Database (gnomAD). This alteration is expected to result in loss of function by premature protein truncation or nonsense-mediated mRNA decay. As such, this alteration is interpreted as a disease-causing mutation.

Labcorp Genetics (formerly Invitae), Labcorp
Classification: Pathogenic for Cystic fibrosis. Last evaluated: 2019-06-19. Review status: criteria provided, single submitter. Criteria: Invitae Variant Classification Sherloc (09022015). Collection method: clinical testing. Allele origin: germline. Not counted in ClinVar's aggregate classification.
Comment: This sequence change creates a premature translational stop signal (p.Gln720*) in the CFTR gene. It is expected to result in an absent or disrupted protein product. This variant is present in population databases (rs397508346, ExAC 0.006%). This variant has not been reported in the literature in individuals with CFTR-related conditions. Loss-of-function variants in CFTR are known to be pathogenic (PMID: 1695717, 7691345, 9725922). For these reasons, this variant has been classified as Pathogenic.

Natera, Inc.
Classification: Pathogenic for CFTR-related disorders. Last evaluated: 2017-03-17. Review status: no assertion criteria provided. Collection method: clinical testing. Allele origin: germline. Not counted in ClinVar's aggregate classification.

Literature cited by the submitters: PubMed 1695717 (cited by Labcorp Genetics (formerly Invitae), Labcorp); PubMed 7691345 (cited by Labcorp Genetics (formerly Invitae), Labcorp); PubMed 9725922 (cited by Labcorp Genetics (formerly Invitae), Labcorp).

NM_000492.4(CFTR):c.2158C>T (p.Gln720Ter)

Gene: CFTR (CF transmembrane conductance regulator; plus strand). Cytogenetic location: 7q31.2.
Variant type: single nucleotide variant.
Coding change: c.2158C>T on transcript NM_000492.4 (MANE Select); coding-DNA position 2158, C replaced by T.
Protein change: p.Gln720Ter; replaces glutamine 720 with a stop codon.
Molecular consequence: nonsense.
Genome position (GRCh38, 1-based): chr7:117,592,325, C>T. VCF-style: chr7-117592325-C-T. GRCh37 (hg19) VCF-style: chr7-117232379-C-T.
Other names: short protein forms Q720*.
Identifiers: ClinVar variation 53445 (VCV000053445.12), dbSNP rs397508346, ClinGen allele CA326756.